The following is an entry in ClinVar:

ClinVar aggregate classification (germline): Benign/Likely benign. Review status: criteria provided, multiple submitters, no conflicts (2 of 4 stars). 3 submissions from 3 submitters: Benign (1); Likely benign (2). Last evaluated 2025-09-18.

Conditions:
Hereditary cancer-predisposing syndrome. Also called: Hereditary Cancer Syndrome; Neoplastic Syndromes, Hereditary; Tumor predisposition; Hereditary neoplastic syndrome. Identifiers: Orphanet 140162, MedGen C0027672, MeSH D009386, MONDO:0015356.
Familial adenomatous polyposis 1 (FAP1). Also called: FAMILIAL ADENOMATOUS POLYPOSIS 1, ATTENUATED; POLYPOSIS, ADENOMATOUS INTESTINAL. Identifiers: MedGen C2713442, MONDO:0021056, OMIM 175100. Disease mechanism: loss of function.

Submissions (3):

Color Diagnostics, LLC DBA Color Health
Classification: Likely benign for Hereditary cancer-predisposing syndrome. Last evaluated: 2025-09-18. Review status: criteria provided, single submitter. Criteria: ACMG Guidelines, 2015. Collection method: clinical testing. Allele origin: germline.

Myriad Genetics, Inc.
Classification: Benign for Familial adenomatous polyposis 1. Last evaluated: 2024-04-02. Review status: criteria provided, single submitter. Criteria: Myriad Autosomal Dominant, Autosomal Recessive and X-Linked Classification Criteria (2023). Collection method: clinical testing. Allele origin: unknown.
Comment: This variant is considered benign. This variant is a silent/synonymous amino acid change and it is not expected to impact splicing.

Ambry Genetics
Classification: Likely benign for Hereditary cancer-predisposing syndrome. Last evaluated: 2017-11-07. Review status: criteria provided, single submitter. Criteria: Ambry Variant Classification Scheme 2023. Collection method: clinical testing. Allele origin: germline.

NM_000038.6(APC):c.5385A>G (p.Ser1795=)

Gene: APC (APC regulator of Wnt signaling pathway; plus strand). Cytogenetic location: 5q22.2.
Variant type: single nucleotide variant.
Coding change: c.5385A>G on transcript NM_000038.6 (MANE Select); coding-DNA position 5385, A replaced by G.
Protein change: p.Ser1795=; no amino-acid change (serine 1795 retained).
Molecular consequence: synonymous variant. On other transcripts: non-coding transcript variant (2).
Genome position (GRCh38, 1-based): chr5:112,840,979, A>G. VCF-style: chr5-112840979-A-G. GRCh37 (hg19) VCF-style: chr5-112176676-A-G.
Other names: c.5355A>G, p.Ser1785= (NM_001407452.1); c.5208A>G, p.Ser1736= (NM_001407453.1, NM_001354901.2); c.5136A>G, p.Ser1712= (NM_001407454.1, NM_001407455.1, NM_001407456.1 and 1 more transcripts); c.5082A>G, p.Ser1694= (NM_001407458.1, NM_001407459.1, NM_001407460.1 and 1 more transcripts); c.4998A>G, p.Ser1666= (NM_001407467.1, NM_001407469.1); c.4536A>G, p.Ser1512= (NM_001407470.1, NM_001354906.2); c.4233A>G, p.Ser1411= (NM_001407471.1, NM_001407472.1); c.5385A>G, p.Ser1795= (NM_001127510.3, NM_001354895.2, NM_001407450.1); and 11 more.
Identifiers: ClinVar variation 1747188 (VCV001747188.4), dbSNP rs1561599781, ClinGen allele CA446208836.